The following is an entry in ClinVar:

ClinVar aggregate classification (germline): Likely benign. Review status: criteria provided, multiple submitters, no conflicts (2 of 4 stars). 2 submissions from 2 submitters: Likely benign (2). Last evaluated 2018-01-13.

Conditions:
Hydatidiform mole, recurrent, 1 (HYDM1). Identifiers: Orphanet 254688, Orphanet 99927, MedGen C3463897, MONDO:0009273, OMIM 231090. Disease mechanism: loss of function.

Allele frequency attached by ClinVar (database versions not stated): gnomAD exomes 0.00230 and 0.00598; ExAC 0.00687; gnomAD 0.02137 and 0.02291; 1000 Genomes Project 0.02276; TOPMed 0.02493; ESP Exome Variant Server 0.02507; 1000 Genomes Project 30x 0.02514.
gnomAD v4.1: 6,776 of 1,613,772 alleles (0.42%); highest among the groups gnomAD compares: African/African-American, 7.4%; 196 homozygotes.

Submissions (2):

Illumina Laboratory Services, Illumina
Classification: Likely benign for Hydatidiform mole, recurrent, 1. Last evaluated: 2018-01-13. Review status: criteria provided, single submitter. Criteria: ICSL Variant Classification Criteria 13 December 2019. Collection method: clinical testing. Allele origin: germline.
Comment: This variant was observed in the ICSL laboratory as part of a predisposition screen in an ostensibly healthy population. It had not been previously curated by ICSL or reported in the Human Gene Mutation Database (HGMD: prior to June 1st, 2018), and was therefore a candidate for classification through an automated scoring system. Utilizing variant allele frequency, disease prevalence and penetrance estimates, and inheritance mode, an automated score was calculated to assess if this variant is too frequent to cause the disease. Based on the score and internal cut-off values, a variant classified as likely benign is not then subjected to further curation. The score for this variant resulted in a classification of likely benign for this disease.

Breakthrough Genomics
Classification: Likely benign. Review status: criteria provided, single submitter. Criteria: ACMG Guidelines, 2015. Collection method: not provided. Allele origin: germline. Inheritance: Autosomal recessive inheritance. Affected: yes.

NM_001127255.2(NLRP7):c.3082A>G (p.Thr1028Ala)

Genes: NCR1 (natural cytotoxicity triggering receptor 1), NLRP7 (NLR family pyrin domain containing 7; minus strand). Cytogenetic location: 19q13.42.
Variant type: single nucleotide variant.
Coding change: c.3082A>G on transcript NM_001127255.2 (MANE Select); coding-DNA position 3082, A replaced by G.
Protein change: p.Thr1028Ala; replaces threonine 1028 with alanine.
Molecular consequence: missense variant.
Genome position (GRCh38, 1-based): chr19:54,923,772, T>C on the plus strand (A>G on the coding strand, the complement: NLRP7 is on the minus strand). VCF-style: chr19-54923772-T-C. GRCh37 (hg19) VCF-style: chr19-55435140-T-C.
Other names: c.3082A>G, p.Thr1028Ala (NM_001405531.1); c.2998A>G, p.Thr1000Ala (NM_139176.4); c.2911A>G, p.Thr971Ala (NM_206828.4); short protein forms T1000A, T1028A, T971A.
Identifiers: ClinVar variation 893569 (VCV000893569.7), dbSNP rs7256020, ClinGen allele CA310001920.